The following is an entry in ClinVar:

NM_001378615.1(CC2D2A):c.1780A>G (p.Lys594Glu)

Genes: CC2D2A (coiled-coil and C2 domain containing 2A; plus strand), FBXL5 (F-box and leucine rich repeat protein 5; minus strand). Cytogenetic location: 4p15.32.
Variant type: single nucleotide variant.
Coding change: c.1780A>G on transcript NM_001378615.1 (MANE Select); coding-DNA position 1780, A replaced by G.
Protein change: p.Lys594Glu; replaces lysine 594 with glutamic acid.
Molecular consequence: missense variant.
Genome position (GRCh38, 1-based): chr4:15,537,914, A>G. VCF-style: chr4-15537914-A-G. GRCh37 (hg19) VCF-style: chr4-15539537-A-G.
Other names: p.Lys594Glu; c.1780A>G, p.Lys594Glu (NM_001080522.2); c.1633A>G, p.Lys545Glu (NM_001378617.1); short protein forms K594E, K545E.
Identifiers: ClinVar variation 499256 (VCV000499256.17), dbSNP rs764556903, ClinGen allele CA2863766.

ClinVar aggregate classification (germline): Uncertain significance. Review status: criteria provided, multiple submitters, no conflicts (2 of 4 stars). 6 submissions from 6 submitters: Uncertain significance (6). Last evaluated 2025-12-09.

Conditions:
Inborn genetic diseases. Identifiers: MedGen C0950123, MeSH D030342.
CC2D2A-related disorder. Also called: CC2D2A-related condition; CC2D2A-related disorders. Identifiers: MedGen CN239313.
Meckel-Gruber syndrome. Also called: Dysencephalia splachnocystica; DYSENCEPHALIA SPLANCHNOCYSTICA; GRUBER SYNDROME. Identifiers: Orphanet 564, MedGen C0265215, MONDO:0018921.
Joubert syndrome. Also called: JOUBERT-BOLTSHAUSER SYNDROME; Familial aplasia of the vermis. Identifiers: Orphanet 475, MedGen C5979921, MONDO:0018772.

Allele frequency attached by ClinVar (database versions not stated): ExAC below 0.00001; gnomAD 0.00001; gnomAD exomes 0.00001; TOPMed 0.00005.
gnomAD v4.1: 12 of 1,602,094 alleles (0.00075%); highest among the groups gnomAD compares: Admixed American, 0.014%; no homozygotes.

Submissions (6):

PreventionGenetics, part of Exact Sciences
Classification: Uncertain significance for CC2D2A-related condition. Last evaluated: 2025-12-09. Review status: criteria provided, single submitter. Criteria: ACMG Guidelines, 2015. Collection method: clinical testing. Allele origin: germline.
Comment: The CC2D2A c.1780A>G variant is predicted to result in the amino acid substitution p.Lys594Glu. To our knowledge, this variant has not been reported in the literature. This variant is reported in 0.0092% of alleles in individuals of Latino descent in gnomAD. At this time, the clinical significance of this variant is uncertain due to the absence of conclusive functional and genetic evidence.

Ambry Genetics
Classification: Uncertain significance for Inborn genetic diseases. Last evaluated: 2023-11-06. Review status: criteria provided, single submitter. Criteria: Ambry Variant Classification Scheme 2023. Collection method: clinical testing. Allele origin: germline.

Labcorp Genetics (formerly Invitae), Labcorp
Classification: Uncertain significance for Joubert syndrome; Meckel-Gruber syndrome. Last evaluated: 2022-06-14. Review status: criteria provided, single submitter. Criteria: Invitae Variant Classification Sherloc (09022015). Collection method: clinical testing. Allele origin: germline.
Comment: This sequence change replaces lysine, which is basic and polar, with glutamic acid, which is acidic and polar, at codon 594 of the CC2D2A protein (p.Lys594Glu). This variant is present in population databases (rs764556903, gnomAD 0.009%). This variant has not been reported in the literature in individuals affected with CC2D2A-related conditions. ClinVar contains an entry for this variant (Variation ID: 499256). Algorithms developed to predict the effect of missense changes on protein structure and function (SIFT, PolyPhen-2, Align-GVGD) all suggest that this variant is likely to be tolerated. In summary, the available evidence is currently insufficient to determine the role of this variant in disease. Therefore, it has been classified as a Variant of Uncertain Significance.

Mayo Clinic Laboratories, Mayo Clinic
Classification: Uncertain significance. Last evaluated: 2021-05-10. Review status: criteria provided, single submitter. Criteria: ACMG Guidelines, 2015. Collection method: clinical testing. Allele origin: germline.

GeneDx
Classification: Uncertain significance. Last evaluated: 2019-08-26. Review status: criteria provided, single submitter. Criteria: GeneDx Variant Classification Process June 2021. Collection method: clinical testing. Allele origin: germline. Affected: yes.
Comment: Not observed in large population cohorts (Lek et al., 2016); In silico analysis, which includes protein predictors and evolutionary conservation, supports that this variant does not alter protein structure/function; Has not been previously published as pathogenic or benign to our knowledge

Eurofins Ntd Llc (ga)
Classification: Uncertain significance. Last evaluated: 2016-12-15. Review status: criteria provided, single submitter. Criteria: EGL Classification Definitions 2015. Collection method: clinical testing. Allele origin: germline. Observed: 1 variant allele, 1 heterozygote.